The following is an entry in ClinVar:

NM_000264.5(PTCH1):c.2978A>G (p.Lys993Arg)

Gene: PTCH1 (patched 1; minus strand). Cytogenetic location: 9q22.32.
Variant type: single nucleotide variant.
Coding change: c.2978A>G on transcript NM_000264.5 (MANE Select); coding-DNA position 2978, A replaced by G.
Protein change: p.Lys993Arg; replaces lysine 993 with arginine.
Molecular consequence: missense variant. On other transcripts: non-coding transcript variant (1).
Genome position (GRCh38, 1-based): chr9:95,458,203, T>C on the plus strand (A>G on the coding strand, the complement: PTCH1 is on the minus strand). VCF-style: chr9-95458203-T-C. GRCh37 (hg19) VCF-style: chr9-98220485-T-C.
Other names: c.2780A>G, p.Lys927Arg (NM_001083602.3); c.2975A>G, p.Lys992Arg (NM_001083603.3); c.2525A>G, p.Lys842Arg (NM_001083604.3, NM_001083605.3, NM_001083606.3 and 1 more transcripts); c.2822A>G, p.Lys941Arg (NM_001354918.2); c.2978A>G (NM_000264.3); short protein forms K927R, K992R, K842R, K993R, K941R.
Identifiers: ClinVar variation 1436684 (VCV001436684.9), dbSNP rs2136661892, ClinGen allele CA374112655.

ClinVar aggregate classification (germline): Uncertain significance. Review status: criteria provided, multiple submitters, no conflicts (2 of 4 stars). 2 submissions from 2 submitters: Uncertain significance (2). Last evaluated 2025-08-04.

Conditions:
Hereditary cancer-predisposing syndrome. Also called: Neoplastic Syndromes, Hereditary; Hereditary Cancer Syndrome; Tumor predisposition; Hereditary neoplastic syndrome. Identifiers: Orphanet 140162, MedGen C0027672, MeSH D009386, MONDO:0015356.
Gorlin syndrome. Also called: Basal cell nevus syndrome; Nevoid Basal Cell Carcinoma Syndrome. Identifiers: Orphanet 377, MedGen C0004779, MONDO:0007187.

Allele frequency attached by ClinVar (database versions not stated): gnomAD exomes below 0.00001.

Submissions (2):

Ambry Genetics
Classification: Uncertain significance for Hereditary cancer-predisposing syndrome. Last evaluated: 2025-08-04. Review status: criteria provided, single submitter. Criteria: Ambry Variant Classification Scheme 2023. Collection method: clinical testing. Allele origin: germline.
Comment: The p.K993R variant (also known as c.2978A>G), located in coding exon 18 of the PTCH1 gene, results from an A to G substitution at nucleotide position 2978. The lysine at codon 993 is replaced by arginine, an amino acid with highly similar properties. This amino acid position is conserved. In addition, the in silico prediction for this alteration is inconclusive. Based on the available evidence, the clinical significance of this variant remains unclear.

Labcorp Genetics (formerly Invitae), Labcorp
Classification: Uncertain significance for Gorlin syndrome. Last evaluated: 2025-02-03. Review status: criteria provided, single submitter. Criteria: Invitae Variant Classification Sherloc (09022015). Collection method: clinical testing. Allele origin: germline.
Comment: This sequence change replaces lysine, which is basic and polar, with arginine, which is basic and polar, at codon 993 of the PTCH1 protein (p.Lys993Arg). This variant is not present in population databases (gnomAD no frequency). This variant has not been reported in the literature in individuals affected with PTCH1-related conditions. ClinVar contains an entry for this variant (Variation ID: 1436684). Invitae Evidence Modeling of protein sequence and biophysical properties (such as structural, functional, and spatial information, amino acid conservation, physicochemical variation, residue mobility, and thermodynamic stability) indicates that this missense variant is not expected to disrupt PTCH1 protein function with a negative predictive value of 95%. In summary, the available evidence is currently insufficient to determine the role of this variant in disease. Therefore, it has been classified as a Variant of Uncertain Significance.